The following is an entry in ClinVar:

ClinVar aggregate classification (germline): Uncertain significance. Review status: criteria provided, multiple submitters, no conflicts (2 of 4 stars). 2 submissions from 2 submitters: Uncertain significance (2). Last evaluated 2023-06-01.

Conditions:
Intellectual developmental disorder, autosomal dominant 33. Also called: Intellectual disability, autosomal dominant 33. Identifiers: MedGen C4225375, MONDO:0014580, OMIM 616311.

Allele frequency attached by ClinVar (database versions not stated): TOPMed below 0.00001.
gnomAD v4.1: 4 of 1,577,046 alleles (0.00025%); highest among the groups gnomAD compares: Non-Finnish European, 0.00035%; no homozygotes.

Submissions (2):

CeGaT Center for Human Genetics Tuebingen
Classification: Uncertain significance. Last evaluated: 2023-06-01. Review status: criteria provided, single submitter. Criteria: CeGaT Center For Human Genetics Tuebingen Variant Classification Criteria Version 2. Collection method: clinical testing. Allele origin: germline. Affected: yes. Observed: 1 variant allele.
Comment: DPP6: PM2

Revvity Omics, Revvity
Classification: Uncertain significance for Intellectual developmental disorder, autosomal dominant 33. Last evaluated: 2021-04-06. Review status: criteria provided, single submitter. Criteria: ACMG Guidelines, 2015. Collection method: clinical testing. Allele origin: germline.

NM_130797.4(DPP6):c.668A>G (p.Lys223Arg)

Gene: DPP6 (dipeptidyl peptidase like 6; plus strand). Cytogenetic location: 7q36.2.
Variant type: single nucleotide variant.
Coding change: c.668A>G on transcript NM_130797.4 (MANE Select); coding-DNA position 668, A replaced by G.
Protein change: p.Lys223Arg; replaces lysine 223 with arginine.
Molecular consequence: missense variant. On other transcripts: non-coding transcript variant (2), intron variant (1).
Genome position (GRCh38, 1-based): chr7:154,637,861, A>G. VCF-style: chr7-154637861-A-G. GRCh37 (hg19) VCF-style: chr7-154429571-A-G.
Other names: c.476A>G, p.Lys159Arg (NM_001039350.3, NM_001364501.2); c.485A>G, p.Lys162Arg (NM_001364497.2, NM_001364498.2, NM_001364499.2 and 1 more transcripts); c.482A>G, p.Lys161Arg (NM_001936.5); c.441+70945A>G (NM_001290252.2); short protein forms K159R, K161R, K162R, K223R.
Identifiers: ClinVar variation 2441027 (VCV002441027.27), dbSNP rs1303021837, ClinGen allele CA370203398.